The following is an entry in ClinVar:

NM_000138.5(FBN1):c.6183T>A (p.Cys2061Ter)

Gene: FBN1 (fibrillin 1; minus strand). Cytogenetic location: 15q21.1.
Variant type: single nucleotide variant.
Coding change: c.6183T>A on transcript NM_000138.5 (MANE Select); coding-DNA position 6183, T replaced by A.
Protein change: p.Cys2061Ter; replaces cysteine 2061 with a stop codon.
Molecular consequence: nonsense.
Genome position (GRCh38, 1-based): chr15:48,437,898, A>T on the plus strand (T>A on the coding strand, the complement: FBN1 is on the minus strand). VCF-style: chr15-48437898-A-T. GRCh37 (hg19) VCF-style: chr15-48730095-A-T.
Other names: short protein forms C2061*.
Identifiers: ClinVar variation 626100 (VCV000626100.3), dbSNP rs71467648, ClinGen allele CA392337262.
Genomic context (GRCh38, chr15:48,437,898, plus strand): 5'-CTGCTTGGAGTGATTTCTGGATTTGGGTGATGAACACTTTCCTCCTTCAAACTTCGCATA[A>T]CAGTAGCTCATTCGCAAATCTGCAGCATAAATTTATGACACCCTTCAGTTGCTTTCCTAC-3'

ClinVar aggregate classification (germline): Likely pathogenic (1 of 4 stars; one submission).

Conditions:
Weill-Marchesani syndrome 2, dominant. Also called: Weill-Marchesani Syndrome, Autosomal Dominant; FBN1-Related Weill-Marchesani Syndrome. Identifiers: Orphanet 2084, MedGen C1869115, MONDO:0012013, OMIM 608328.
Progeroid and marfanoid aspect-lipodystrophy syndrome. Also called: Marfan lipodystrophy syndrome; MARFANOID-PROGEROID SYNDROME; MARFAN-PROGEROID-LIPODYSTROPHY SYNDROME; MARFANOID-PROGEROID-LIPODYSTROPHY SYNDROME. Identifiers: Orphanet 300382, MedGen C4310796, MONDO:0014831, OMIM 616914.
Stiff skin syndrome (SSKS). Identifiers: Orphanet 2833, MedGen C1861456, MONDO:0008492, OMIM 184900.
Acromicric dysplasia (ACMICD). Also called: Acromicric skeletal dysplasia. Identifiers: Orphanet 969, MedGen C0265287, MONDO:0007055, OMIM 102370.
Geleophysic dysplasia 2 (GPHYSD2). Identifiers: Orphanet 2623, MedGen C3280054, MONDO:0013612, OMIM 614185.
Ectopia lentis 1, isolated, autosomal dominant (ECTOL1). Identifiers: Orphanet 1885, MedGen C3541518, MONDO:0007514, OMIM 129600.
Marfan syndrome (MFS). Also called: FBN1-Related Marfan Syndrome; Marfan syndrome type 1; Marfan's syndrome; Marfan syndrome, classic; MARFAN SYNDROME, TYPE I. Identifiers: Orphanet 284963, Orphanet 558, MedGen C0024796, MONDO:0007947, OMIM 154700.
MASS syndrome (OCTD). Also called: MASS PHENOTYPE; OVERLAP CONNECTIVE TISSUE DISEASE. Identifiers: MedGen C1858556, MONDO:0011431, OMIM 604308.

Submission:

Center for Genomics, Ann and Robert H. Lurie Children's Hospital of Chicago
Classification: Likely pathogenic for Geleophysic dysplasia 2; Weill-Marchesani syndrome 2, dominant; Ectopia lentis 1, isolated, autosomal dominant; MASS syndrome; Progeroid and marfanoid aspect-lipodystrophy syndrome; Acromicric dysplasia; Marfan syndrome; Stiff skin syndrome. Review status: criteria provided, single submitter. Criteria: ACMG Guidelines, 2015. Collection method: clinical testing. Allele origin: germline.
Comment: FBN1 NM_000138.4 exon 51 p.Cys2061* (c.6183T>A): This variant has not been reported in the literature and is not present in large control databases. Evolutionary conservation and computational predictive tools for this variant are limited or unavailable. This variant creates a premature stop at this codon which results in an absent or abnormal protein. Loss of function variants are a known mechanism of disease for this gene (Dietz 2017 PMID: 20301510). In summary, data on this variant is highly suspicious for disease, but requires further evidence for pathogenicity. Therefore, this variant is classified as likely pathogenic.